The following is an entry in ClinVar:

ClinVar aggregate classification (germline): Uncertain significance. Review status: criteria provided, multiple submitters, no conflicts (2 of 4 stars). 3 submissions from 3 submitters: Uncertain significance (2). 1 of the submissions does not count toward it. Last evaluated 2023-03-20.

Conditions:
Pyruvate dehydrogenase E1-alpha deficiency (PDHAD). Also called: Ataxia, intermittent, with pyruvate dehydrogenase, or decarboxylase, deficiency; ATAXIA, INTERMITTENT, WITH PYRUVATE DEHYDROGENASE DEFICIENCY; ATAXIA WITH LACTIC ACIDOSIS I; ATAXIA, INTERMITTENT, WITH ABNORMAL PYRUVATE METABOLISM. Identifiers: Orphanet 79243, MedGen C1839413, MONDO:0010717, OMIM 312170.

Submissions (3):

Labcorp Genetics (formerly Invitae), Labcorp
Classification: Uncertain significance for Pyruvate dehydrogenase E1-alpha deficiency. Last evaluated: 2023-03-20. Review status: criteria provided, single submitter. Criteria: Invitae Variant Classification Sherloc (09022015). Collection method: clinical testing. Allele origin: germline.
Comment: This variant is not present in population databases (gnomAD no frequency). This sequence change replaces tyrosine, which is neutral and polar, with cysteine, which is neutral and slightly polar, at codon 183 of the PDHA1 protein (p.Tyr183Cys). This variant has not been reported in the literature in individuals affected with PDHA1-related conditions. ClinVar contains an entry for this variant (Variation ID: 1700785). Advanced modeling of protein sequence and biophysical properties (such as structural, functional, and spatial information, amino acid conservation, physicochemical variation, residue mobility, and thermodynamic stability) performed at Invitae indicates that this missense variant is expected to disrupt PDHA1 protein function. In summary, the available evidence is currently insufficient to determine the role of this variant in disease. Therefore, it has been classified as a Variant of Uncertain Significance.

GeneDx
Classification: Uncertain significance. Last evaluated: 2022-08-01. Review status: criteria provided, single submitter. Criteria: GeneDx Variant Classification Process June 2021. Collection method: clinical testing. Allele origin: germline. Affected: yes.
Comment: Not observed at significant frequency in large population cohorts (gnomAD); In silico analysis supports that this missense variant has a deleterious effect on protein structure/function; This variant is associated with the following publications: (PMID: Lake_2018_Thesis, 8602753)

PDHA1 Study Group, University Children’s Hospital, Paracelsus Medical University
Classification: Likely pathogenic for Pyruvate dehydrogenase E1-alpha deficiency. Last evaluated: 2024-10-15. Review status: no assertion criteria provided. Collection method: research. Allele origin: inherited. Affected: yes. Observed: 1 variant allele. Not counted in ClinVar's aggregate classification.
Comment: The NM_000284.3:c.548A>G (p.Tyr183Cys) substitution is a missense variant in PDHA1 gene. Among them, 1 were confirmed inherited. Last literature search: July 12, 2024. This variant is absent or extremely rare in population-based cohorts in the Genome Aggregation Database (gnomAD). Individuals harboring this variant presented with clinical features compatible with PDHA1-related PDHc deficiency. In summary, this variant meets criteria to be classified as likely pathogenic (LP) for PDHA1-related PDHc deficiency based on the ACMG/AMP criteria applied: PM1, PM2, PM7, PP3 (last assessment October 15, 2024).

Literature cited by the submitters: DOI 10.1093/brain/awaf430 (cited by PDHA1 Study Group, University Children’s Hospital, Paracelsus Medical University).

NM_000284.4(PDHA1):c.548A>G (p.Tyr183Cys)

Gene: PDHA1 (pyruvate dehydrogenase E1 subunit alpha 1; plus strand). Cytogenetic location: Xp22.12.
Variant type: single nucleotide variant.
Coding change: c.548A>G on transcript NM_000284.4 (MANE Select); coding-DNA position 548, A replaced by G.
Protein change: p.Tyr183Cys; replaces tyrosine 183 with cysteine.
Molecular consequence: missense variant. On other transcripts: intron variant (1).
Genome position (GRCh38, 1-based): chrX:19,354,528, A>G. VCF-style: chrX-19354528-A-G. GRCh37 (hg19) VCF-style: chrX-19372646-A-G.
Other names: c.662A>G, p.Tyr221Cys (NM_001173454.2); c.569A>G, p.Tyr190Cys (NM_001173455.2); c.511-821A>G (NM_001173456.2); short protein forms Y183C, Y190C, Y221C.
Identifiers: ClinVar variation 1700785 (VCV001700785.8), dbSNP rs2147179754, ClinGen allele CA412393990.